The following is an entry in ClinVar:

ClinVar aggregate classification (germline): Likely benign. Review status: criteria provided, multiple submitters, no conflicts (2 of 4 stars). 2 submissions from 2 submitters: Likely benign (2). Last evaluated 2023-12-11.

gnomAD v4.1: 6 of 1,614,190 alleles (0.00037%); highest among the groups gnomAD compares: Middle Eastern, 0.016%; no homozygotes.

Submissions (2):

Blueprint Genetics
Classification: Likely benign. Last evaluated: 2023-12-11. Review status: criteria provided, single submitter. Criteria: ACMG Guidelines, 2015. Collection method: clinical testing. Allele origin: germline.

CeGaT Center for Human Genetics Tuebingen
Classification: Likely benign. Last evaluated: 2023-05-01. Review status: criteria provided, single submitter. Criteria: CeGaT Center For Human Genetics Tuebingen Variant Classification Criteria Version 2. Collection method: clinical testing. Allele origin: germline. Affected: yes. Observed: 2 variant alleles.
Comment: PIGS: BP4, BP7

NM_033198.4(PIGS):c.1596C>G (p.Pro532=)

Gene: PIGS (phosphatidylinositol glycan anchor biosynthesis class S; minus strand). Cytogenetic location: 17q11.2.
Variant type: single nucleotide variant.
Coding change: c.1596C>G on transcript NM_033198.4 (MANE Select); coding-DNA position 1596, C replaced by G.
Protein change: p.Pro532=; no amino-acid change (proline 532 retained).
Molecular consequence: synonymous variant.
Genome position (GRCh38, 1-based): chr17:28,554,292, G>C on the plus strand (C>G on the coding strand, the complement: PIGS is on the minus strand). VCF-style: chr17-28554292-G-C. GRCh37 (hg19) VCF-style: chr17-26881310-G-C.
Identifiers: ClinVar variation 2647580 (VCV002647580.25), dbSNP rs766280975, ClinGen allele CA499423900.